The following is an entry in ClinVar:

NM_001297.5(CNGB1):c.*836C>T

Gene: CNGB1 (cyclic nucleotide gated channel subunit beta 1; minus strand). Cytogenetic location: 16q21.
Variant type: single nucleotide variant.
Coding change: c.*836C>T on transcript NM_001297.5 (MANE Select); 836 bases downstream of the stop codon, C replaced by T.
Molecular consequence: 3 prime UTR variant.
Genome position (GRCh38, 1-based): chr16:57,883,328, G>A on the plus strand (C>T on the coding strand, the complement: CNGB1 is on the minus strand). VCF-style: chr16-57883328-G-A. GRCh37 (hg19) VCF-style: chr16-57917232-G-A.
Other names: c.*836C>T (NM_001286130.2).
Identifiers: ClinVar variation 320038 (VCV000320038.5), dbSNP rs165999, ClinGen allele CA10643986.

ClinVar aggregate classification (germline): Benign (1 of 4 stars; one submission).

Conditions:
Retinitis pigmentosa (RP). Identifiers: Orphanet 791, MedGen C0035334, MeSH D012174, MONDO:0019200, OMIM 268000. Inheritance: Autosomal dominant, autosomal recessive and X linked inheritance.

Allele frequency attached by ClinVar (database versions not stated): TOPMed 0.23303; gnomAD 0.23733 and 0.23951; 1000 Genomes Project 0.26018; 1000 Genomes Project 30x 0.26187; gnomAD exomes 0.26506.
gnomAD v4.1: 36,349 of 152,162 alleles (24%); highest among the groups gnomAD compares: Admixed American, 30%; 4,626 homozygotes.

Submission:

Illumina Laboratory Services, Illumina
Classification: Benign for Retinitis pigmentosa. Last evaluated: 2018-01-12. Review status: criteria provided, single submitter. Criteria: ICSL Variant Classification Criteria 13 December 2019. Collection method: clinical testing. Allele origin: germline.
Comment: This variant was observed in the ICSL laboratory as part of a predisposition screen in an ostensibly healthy population. It had not been previously curated by ICSL or reported in the Human Gene Mutation Database (HGMD: prior to June 1st, 2018), and was therefore a candidate for classification through an automated scoring system. Utilizing variant allele frequency, disease prevalence and penetrance estimates, and inheritance mode, an automated score was calculated to assess if this variant is too frequent to cause the disease. Based on the score and internal cut-off values, a variant classified as benign is not then subjected to further curation. The score for this variant resulted in a classification of benign for this disease.